The following is an entry in ClinVar:

NM_002334.4(LRP4):c.1342A>G (p.Ile448Val)

Gene: LRP4 (LDL receptor related protein 4; minus strand). Cytogenetic location: 11p11.2.
Variant type: single nucleotide variant.
Coding change: c.1342A>G on transcript NM_002334.4 (MANE Select); coding-DNA position 1342, A replaced by G.
Protein change: p.Ile448Val; replaces isoleucine 448 with valine.
Molecular consequence: missense variant.
Genome position (GRCh38, 1-based): chr11:46,894,787, T>C on the plus strand (A>G on the coding strand, the complement: LRP4 is on the minus strand). VCF-style: chr11-46894787-T-C. GRCh37 (hg19) VCF-style: chr11-46916338-T-C.
Other names: c.1342A>G (NM_002334.3); short protein forms I448V.
Identifiers: ClinVar variation 1512123 (VCV001512123.20), dbSNP rs761341366, ClinGen allele CA5970170.

ClinVar aggregate classification (germline): Conflicting classifications of pathogenicity. Review status: criteria provided, conflicting classifications (1 of 4 stars). 4 submissions from 4 submitters: Uncertain significance (3); Likely benign (1). Last evaluated 2024-11-01.

Conditions:
Sclerosteosis 2 (SOST2). Identifiers: Orphanet 3152, MedGen C3280402, MONDO:0013679, OMIM 614305.
Congenital myasthenic syndrome 17. Identifiers: Orphanet 590, MedGen C4225377, MONDO:0014578, OMIM 616304.
Cenani-Lenz syndactyly syndrome. Also called: CENANI SYNDACTYLISM; SYNDACTYLY, TYPE VII. Identifiers: Orphanet 3258, MedGen C1859309, MONDO:0008931, OMIM 212780.
Inborn genetic diseases. Identifiers: MedGen C0950123, MeSH D030342.

Allele frequency attached by ClinVar (database versions not stated): gnomAD 0.00003; TOPMed 0.00003; gnomAD exomes 0.00004 and 0.00008; ExAC 0.00006.
gnomAD v4.1: 116 of 1,614,102 alleles (0.0072%); highest among the groups gnomAD compares: Non-Finnish European, 0.0093%; 1 homozygote.

Submissions (4):

CeGaT Center for Human Genetics Tuebingen
Classification: Likely benign. Last evaluated: 2024-11-01. Review status: criteria provided, single submitter. Criteria: CeGaT Center For Human Genetics Tuebingen Variant Classification Criteria Version 2. Collection method: clinical testing. Allele origin: germline. Affected: yes. Observed: 1 variant allele.
Comment: LRP4: BS2

Ambry Genetics
Classification: Uncertain significance for Inborn genetic diseases. Last evaluated: 2022-08-01. Review status: criteria provided, single submitter. Criteria: Ambry Variant Classification Scheme 2023. Collection method: clinical testing. Allele origin: germline.

Fulgent Genetics
Classification: Uncertain significance for Cenani-Lenz syndactyly syndrome; Sclerosteosis 2; Congenital myasthenic syndrome 17. Last evaluated: 2021-09-06. Review status: criteria provided, single submitter. Criteria: ACMG Guidelines, 2015. Collection method: clinical testing. Allele origin: unknown.

Labcorp Genetics (formerly Invitae), Labcorp
Classification: Uncertain significance for Cenani-Lenz syndactyly syndrome; Sclerosteosis 2; Congenital myasthenic syndrome 17. Last evaluated: 2021-07-28. Review status: criteria provided, single submitter. Criteria: Invitae Variant Classification Sherloc (09022015). Collection method: clinical testing. Allele origin: germline.
Comment: In summary, the available evidence is currently insufficient to determine the role of this variant in disease. Therefore, it has been classified as a Variant of Uncertain Significance. Algorithms developed to predict the effect of missense changes on protein structure and function are either unavailable or do not agree on the potential impact of this missense change (SIFT: "Deleterious"; PolyPhen-2: "Benign"; Align-GVGD: "Class C25"). This variant has not been reported in the literature in individuals affected with LRP4-related conditions. This variant is present in population databases (rs761341366, ExAC 0.009%). This sequence change replaces isoleucine with valine at codon 448 of the LRP4 protein (p.Ile448Val). The isoleucine residue is highly conserved and there is a small physicochemical difference between isoleucine and valine.